The following is an entry in ClinVar:

NM_000891.3(KCNJ2):c.901A>G (p.Met301Val)

Gene: KCNJ2 (potassium inwardly rectifying channel subfamily J member 2; plus strand). Cytogenetic location: 17q24.3.
Variant type: single nucleotide variant.
Coding change: c.901A>G on transcript NM_000891.3 (MANE Select); coding-DNA position 901, A replaced by G.
Protein change: p.Met301Val; replaces methionine 301 with valine.
Molecular consequence: missense variant.
Genome position (GRCh38, 1-based): chr17:70,175,940, A>G. VCF-style: chr17-70175940-A-G. GRCh37 (hg19) VCF-style: chr17-68172081-A-G.
Other names: p.M301V:ATG>GTG; short protein forms M301V.
Identifiers: ClinVar variation 190816 (VCV000190816.11), dbSNP rs786205818, ClinGen allele CA302055.

ClinVar aggregate classification (germline): Conflicting classifications of pathogenicity. Review status: criteria provided, conflicting classifications (1 of 4 stars). 2 submissions from 2 submitters: Pathogenic (1); Uncertain significance (1). Last evaluated 2025-09-08.

Conditions:
Andersen Tawil syndrome (LQT7). Also called: PERIODIC PARALYSIS, POTASSIUM-SENSITIVE CARDIODYSRHYTHMIC TYPE; LONG QT SYNDROME 7; ANDERSEN CARDIODYSRHYTHMIC PERIODIC PARALYSIS; Andersen Syndrome; Potassium-sensitive periodic paralysis, ventricular ectopy, and dysmorphic features. Identifiers: Orphanet 37553, MedGen C1563715, MONDO:0008222, OMIM 170390.
Short QT syndrome type 3. Identifiers: Orphanet 51083, MedGen C1865018, MONDO:0012314, OMIM 609622.

Allele frequency attached by ClinVar (database versions not stated): gnomAD exomes below 0.00001.
gnomAD v4.1: 1 of 1,614,168 alleles (0.000062%); highest among the groups gnomAD compares: Non-Finnish European, 0.000085%; no homozygotes.

Submissions (2):

Labcorp Genetics (formerly Invitae), Labcorp
Classification: Uncertain significance for Short QT syndrome type 3; Andersen Tawil syndrome. Last evaluated: 2025-09-08. Review status: criteria provided, single submitter. Criteria: Invitae Variant Classification Sherloc (09022015). Collection method: clinical testing. Allele origin: germline.
Comment: This sequence change replaces methionine, which is neutral and non-polar, with valine, which is neutral and non-polar, at codon 301 of the KCNJ2 protein (p.Met301Val). This variant is not present in population databases (gnomAD no frequency). This variant has not been reported in the literature in individuals affected with KCNJ2-related conditions. ClinVar contains an entry for this variant (Variation ID: 190816). Invitae Evidence Modeling of protein sequence and biophysical properties (such as structural, functional, and spatial information, amino acid conservation, physicochemical variation, residue mobility, and thermodynamic stability) has been performed for this missense variant. However, the output from this modeling did not meet the statistical confidence thresholds required to predict the impact of this variant on KCNJ2 protein function. In summary, the available evidence is currently insufficient to determine the role of this variant in disease. Therefore, it has been classified as a Variant of Uncertain Significance.

GeneDx
Classification: Pathogenic. Last evaluated: 2014-01-16. Review status: criteria provided, single submitter. Criteria: GeneDx Variant Classification (06012015). Collection method: clinical testing. Allele origin: germline. Affected: yes.
Comment: p.Met301Val (ATG>GTG): c.901 A>G in exon 2 of the KCNJ2 gene (NM_000891.2). The M301V mutation in the KCNJ2 gene has not been reported as a disease-causing mutation or a benign polymorphism to our knowledge. Mutations affecting this same residue (M301K) and nearby residues (E299V, G300V, G300A, G300D, V302M) have been reported in association with Short QT syndrome or Andersen-Tawil syndrome, supporting the functional importance of this residue and this region of the protein. Although M301V results in a conservative amino acid substitution, this substitution occurs at a position that is highly conserved across species. In silico analysis predicts M301V is damaging to the protein structure/function. Furthermore, M301V was not observed in approximately 6500 individuals of European and African American ancestry in the NHLBI Exome Sequencing Project, indicating it is not a common benign variant in these populations. In summary, M301V in the KCNJ2 gene is interpreted as a likely disease-causing mutation. The variant is found in LQT panel(s).